The following is an entry in ClinVar:

ClinVar aggregate classification (germline): Uncertain significance (1 of 4 stars; one submission).

Conditions:
Emery-Dreifuss muscular dystrophy (EDMD). Also called: Scapuloperoneal syndrome, X-linked (formerly); Humeroperoneal neuromuscular disease, (formerly). Identifiers: Orphanet 261, MedGen C0410189, MONDO:0016830.

gnomAD v4.1: 2 of 1,614,026 alleles (0.00012%); highest among the groups gnomAD compares: South Asian, 0.0011%; no homozygotes.

Submission:

Labcorp Genetics (formerly Invitae), Labcorp
Classification: Uncertain significance for Emery-Dreifuss muscular dystrophy. Last evaluated: 2022-02-10. Review status: criteria provided, single submitter. Criteria: Invitae Variant Classification Sherloc (09022015). Collection method: clinical testing. Allele origin: germline.
Comment: This sequence change replaces glutamic acid, which is acidic and polar, with glutamine, which is neutral and polar, at codon 702 of the SUN2 protein (p.Glu702Gln). This variant is not present in population databases (gnomAD no frequency). This variant has not been reported in the literature in individuals affected with SUN2-related conditions. Algorithms developed to predict the effect of missense changes on protein structure and function are either unavailable or do not agree on the potential impact of this missense change (SIFT: "Tolerated"; PolyPhen-2: "Probably Damaging"; Align-GVGD: "Class C0"). In summary, the available evidence is currently insufficient to determine the role of this variant in disease. Therefore, it has been classified as a Variant of Uncertain Significance.

NM_015374.3(SUN2):c.2104G>C (p.Glu702Gln)

Genes: GTPBP1 (GTP binding protein 1; plus strand), SUN2 (Sad1 and UNC84 domain containing 2; minus strand). Cytogenetic location: 22q13.1.
Variant type: single nucleotide variant.
Coding change: c.2104G>C on transcript NM_015374.3 (MANE Select); coding-DNA position 2104, G replaced by C.
Protein change: p.Glu702Gln; replaces glutamic acid 702 with glutamine.
Molecular consequence: missense variant.
Genome position (GRCh38, 1-based): chr22:38,736,317, C>G on the plus strand (G>C on the coding strand, the complement: SUN2 is on the minus strand). VCF-style: chr22-38736317-C-G. GRCh37 (hg19) VCF-style: chr22-39132322-C-G.
Other names: c.2167G>C, p.Glu723Gln (NM_001199579.2, NM_001394428.1); c.2104G>C, p.Glu702Gln (NM_001199580.2, NM_001394432.1, NM_001394433.1 and 2 more transcripts); c.2197G>C, p.Glu733Gln (NM_001394427.1); c.2149G>C, p.Glu717Gln (NM_001394429.1, NM_001394430.1); c.2101G>C, p.Glu701Gln (NM_001394436.1, NM_001394437.1); c.2014G>C, p.Glu672Gln (NM_001394438.1); c.1966G>C, p.Glu656Gln (NM_001394439.1, NM_001394440.1, NM_001394441.1); c.1705G>C, p.Glu569Gln (NM_001394442.1); and 2 more; short protein forms E656Q, E717Q, E510Q, E733Q, E538Q, E672Q, E723Q, E569Q.
Identifiers: ClinVar variation 1921929 (VCV001921929.5), dbSNP rs781099795, ClinGen allele CA411582430.